The following is an entry in ClinVar:

NM_005560.6(LAMA5):c.5058C>T (p.Pro1686=)

Gene: LAMA5 (laminin subunit alpha 5; minus strand). Cytogenetic location: 20q13.33.
Variant type: single nucleotide variant.
Coding change: c.5058C>T on transcript NM_005560.6 (MANE Select); coding-DNA position 5058, C replaced by T.
Protein change: p.Pro1686=; no amino-acid change (proline 1686 retained).
Molecular consequence: synonymous variant.
Genome position (GRCh38, 1-based): chr20:62,327,287, G>A on the plus strand (C>T on the coding strand, the complement: LAMA5 is on the minus strand). VCF-style: chr20-62327287-G-A. GRCh37 (hg19) VCF-style: chr20-60902343-G-A.
Other names: c.5058C>T (NM_005560.4).
Identifiers: ClinVar variation 1335464 (VCV001335464.40), dbSNP rs112822456, ClinGen allele CA9942362.

ClinVar aggregate classification (germline): Likely benign. Review status: criteria provided, multiple submitters, no conflicts (2 of 4 stars). 3 submissions from 3 submitters: Likely benign (2). 1 of the submissions does not count toward it. Last evaluated 2025-09-15.

Conditions:
LAMA5-related disorder. Also called: LAMA5-related condition; LAMA5-Related Disorders.

Allele frequency attached by ClinVar (database versions not stated): 1000 Genomes Project 0.00040; 1000 Genomes Project 30x 0.00062; gnomAD 0.00068 and 0.00069; TOPMed 0.00068; ESP Exome Variant Server 0.00093.
gnomAD v4.1: 572 of 1,573,876 alleles (0.036%); highest among the groups gnomAD compares: African/African-American, 0.19%; 1 homozygote.

Submissions (3):

Labcorp Genetics (formerly Invitae), Labcorp
Classification: Likely benign. Last evaluated: 2025-09-15. Review status: criteria provided, single submitter. Criteria: Invitae Variant Classification Sherloc (09022015). Collection method: clinical testing. Allele origin: germline.

CeGaT Center for Human Genetics Tuebingen
Classification: Likely benign. Last evaluated: 2021-11-01. Review status: criteria provided, single submitter. Criteria: CeGaT Center For Human Genetics Tuebingen Variant Classification Criteria Version 2. Collection method: clinical testing. Allele origin: germline. Affected: yes. Observed: 1 variant allele.

PreventionGenetics, part of Exact Sciences
Classification: Likely benign for LAMA5-related condition. Last evaluated: 2019-08-09. Review status: no assertion criteria provided. Collection method: clinical testing. Allele origin: germline. Not counted in ClinVar's aggregate classification.
Comment: This variant is classified as likely benign based on ACMG/AMP sequence variant interpretation guidelines (Richards et al. 2015 PMID: 25741868, with internal and published modifications).